The following is an entry in ClinVar:

NM_001364905.1(LRBA):c.5207C>T (p.Ser1736Leu)

Gene: LRBA (LPS responsive beige-like anchor protein; minus strand). Cytogenetic location: 4q31.3.
Variant type: single nucleotide variant.
Coding change: c.5207C>T on transcript NM_001364905.1 (MANE Select); coding-DNA position 5207, C replaced by T.
Protein change: p.Ser1736Leu; replaces serine 1736 with leucine.
Molecular consequence: missense variant.
Genome position (GRCh38, 1-based): chr4:150,817,222, G>A on the plus strand (C>T on the coding strand, the complement: LRBA is on the minus strand). VCF-style: chr4-150817222-G-A. GRCh37 (hg19) VCF-style: chr4-151738374-G-A.
Other names: c.5207C>T, p.Ser1736Leu (NM_001199282.3, NM_001367550.1, NM_006726.5); short protein forms S1736L.
Identifiers: ClinVar variation 834955 (VCV000834955.8), dbSNP rs754411956, ClinGen allele CA3102547.

ClinVar aggregate classification (germline): Uncertain significance (1 of 4 stars; one submission).

Conditions:
Combined immunodeficiency due to LRBA deficiency. Also called: Common variable immunodeficiency 8, with autoimmunity. Identifiers: Orphanet 445018, MedGen C3553512, MONDO:0013863, OMIM 614700.

Allele frequency attached by ClinVar (database versions not stated): gnomAD exomes below 0.00001 and 0.00001; ExAC 0.00001; gnomAD 0.00001; TOPMed 0.00002.
gnomAD v4.1: 10 of 1,612,122 alleles (0.00062%); highest among the groups gnomAD compares: East Asian, 0.0022%; no homozygotes.

Submission:

Labcorp Genetics (formerly Invitae), Labcorp
Classification: Uncertain significance for Combined immunodeficiency due to LRBA deficiency. Last evaluated: 2019-06-20. Review status: criteria provided, single submitter. Criteria: Invitae Variant Classification Sherloc (09022015). Collection method: clinical testing. Allele origin: germline.
Comment: In summary, the available evidence is currently insufficient to determine the role of this variant in disease. Therefore, it has been classified as a Variant of Uncertain Significance. Algorithms developed to predict the effect of missense changes on protein structure and function output the following: SIFT: "Tolerated"; PolyPhen-2: "Benign"; Align-GVGD: "Class C0". The leucine amino acid residue is found in multiple mammalian species, suggesting that this missense change does not adversely affect protein function. These predictions have not been confirmed by published functional studies and their clinical significance is uncertain. This variant has not been reported in the literature in individuals with LRBA-related conditions. This variant is present in population databases (rs754411956, ExAC 0.002%). This sequence change replaces serine with leucine at codon 1736 of the LRBA protein (p.Ser1736Leu). The serine residue is weakly conserved and there is a large physicochemical difference between serine and leucine.